The following is an entry in ClinVar:

ClinVar aggregate classification (germline): Benign/Likely benign. Review status: criteria provided, multiple submitters, no conflicts (2 of 4 stars). 10 submissions from 10 submitters: Benign (8); Likely benign (2). Last evaluated 2026-08-01.

Conditions:
GM3 synthase deficiency (SPDRS). Also called: AMISH INFANTILE EPILEPSY SYNDROME; SALT AND PEPPER DEVELOPMENTAL REGRESSION SYNDROME; SALT AND PEPPER MENTAL RETARDATION SYNDROME. Identifiers: Orphanet 171714, Orphanet 370933, MedGen C1836824, MONDO:0018274, OMIM 609056.

Allele frequency attached by ClinVar (database versions not stated): gnomAD 0.00354 and 0.00382; TOPMed 0.00357; 1000 Genomes Project 0.00359; 1000 Genomes Project 30x 0.00359; ExAC 0.01790.
gnomAD v4.1: 7,754 of 1,366,398 alleles (0.57%); highest among the groups gnomAD compares: South Asian, 1.2%; 31 homozygotes.

Submissions (10):

CeGaT Center for Human Genetics Tuebingen
Classification: Benign. Last evaluated: 2026-08-01. Review status: criteria provided, single submitter. Criteria: CeGaT Center For Human Genetics Tuebingen Variant Classification Criteria Version 2. Collection method: clinical testing. Allele origin: germline. Affected: yes. Observed: 16 variant alleles.
Comment: ST3GAL5: BS1, BS2

Labcorp Genetics (formerly Invitae), Labcorp
Classification: Benign for GM3 synthase deficiency. Last evaluated: 2026-02-02. Review status: criteria provided, single submitter. Criteria: Invitae Variant Classification Sherloc (09022015). Collection method: clinical testing. Allele origin: germline.

ARUP Laboratories, Molecular Genetics and Genomics, ARUP Laboratories
Classification: Likely benign for GM3 synthase deficiency. Last evaluated: 2025-02-19. Review status: criteria provided, single submitter. Criteria: ARUP Molecular Germline Variant Investigation Process 2024. Collection method: clinical testing. Allele origin: germline.

Blueprint Genetics
Classification: Likely benign. Last evaluated: 2024-11-25. Review status: criteria provided, single submitter. Criteria: ACMG Guidelines, 2015. Collection method: clinical testing. Allele origin: germline.

Mayo Clinic Laboratories, Mayo Clinic
Classification: Benign. Last evaluated: 2024-01-31. Review status: criteria provided, single submitter. Criteria: ACMG Guidelines, 2015. Collection method: clinical testing. Allele origin: germline. Observed: 5 variant alleles.
Comment: BS1, BS2, BP4

Fulgent Genetics
Classification: Benign for GM3 synthase deficiency. Last evaluated: 2021-07-02. Review status: criteria provided, single submitter. Criteria: ACMG Guidelines, 2015. Collection method: clinical testing. Allele origin: unknown.

Illumina Laboratory Services, Illumina
Classification: Benign for GM3 synthase deficiency. Last evaluated: 2018-01-13. Review status: criteria provided, single submitter. Criteria: ICSL Variant Classification Criteria 13 December 2019. Collection method: clinical testing. Allele origin: germline.
Comment: This variant was observed in the ICSL laboratory as part of a predisposition screen in an ostensibly healthy population. It had not been previously curated by ICSL or reported in the Human Gene Mutation Database (HGMD: prior to June 1st, 2018), and was therefore a candidate for classification through an automated scoring system. Utilizing variant allele frequency, disease prevalence and penetrance estimates, and inheritance mode, an automated score was calculated to assess if this variant is too frequent to cause the disease. Based on the score and internal cut-off values, a variant classified as benign is not then subjected to further curation. The score for this variant resulted in a classification of benign for this disease.

Athena Diagnostics
Classification: Benign. Last evaluated: 2017-09-29. Review status: criteria provided, single submitter. Criteria: Athena Diagnostics Criteria. Collection method: clinical testing. Allele origin: germline.

Eurofins Ntd Llc (ga)
Classification: Benign. Last evaluated: 2016-08-15. Review status: criteria provided, single submitter. Criteria: EGL Classification Definitions 2015. Collection method: clinical testing. Allele origin: germline. Observed: 8 variant alleles, 8 heterozygotes.

Breakthrough Genomics
Classification: Benign. Review status: criteria provided, single submitter. Criteria: ACMG Guidelines, 2015. Collection method: not provided. Allele origin: germline. Inheritance: Autosomal recessive inheritance. Affected: yes.

NM_003896.4(ST3GAL5):c.37C>T (p.Pro13Ser)

Genes: ST3GAL5 (ST3 beta-galactoside alpha-2,3-sialyltransferase 5; minus strand), LOC129934236 (ATAC-STARR-seq lymphoblastoid silent region 11709; plus strand). Cytogenetic location: 2p11.2.
Variant type: single nucleotide variant.
Coding change: c.37C>T on transcript NM_003896.4 (MANE Select); coding-DNA position 37, C replaced by T.
Protein change: p.Pro13Ser; replaces proline 13 with serine.
Molecular consequence: missense variant. On other transcripts: 5 prime UTR variant (6).
Genome position (GRCh38, 1-based): chr2:85,888,869, G>A on the plus strand (C>T on the coding strand, the complement: ST3GAL5 is on the minus strand). VCF-style: chr2-85888869-G-A. GRCh37 (hg19) VCF-style: chr2-86115992-G-A.
Other names: p.Pro13Ser; c.-926C>T (NM_001354223.2); c.-588C>T (NM_001354224.2); c.-525C>T (NM_001354226.2); c.-235C>T (NM_001354227.2); c.-179C>T (NM_001354229.2); c.-965C>T (NM_001354233.2); c.37C>T, p.Pro13Ser (NM_001363847.1); short protein forms P13S.
Identifiers: ClinVar variation 193261 (VCV000193261.49), dbSNP rs559756386, ClinGen allele CA238776.